The following is an entry in ClinVar:

ClinVar aggregate classification (germline): Uncertain significance (1 of 4 stars; one submission).

Conditions:
Leigh syndrome (NULS). Also called: Leigh Syndrome (mtDNA deletion); Leigh's necrotizing encephalopathy; Leigh's disease; Leigh's syndrome; LEIGH SYNDROME, NUCLEAR; Leigh Disease. Identifiers: Orphanet 506, MedGen C2931891, MONDO:0009723, OMIM 256000.

gnomAD v4.1: 1 of 1,515,152 alleles (0.000066%); highest among the groups gnomAD compares: Middle Eastern, 0.023%; no homozygotes.

Submission:

Labcorp Genetics (formerly Invitae), Labcorp
Classification: Uncertain significance for Leigh syndrome. Last evaluated: 2022-01-26. Review status: criteria provided, single submitter. Criteria: Invitae Variant Classification Sherloc (09022015). Collection method: clinical testing. Allele origin: germline.
Comment: This sequence change falls in intron 1 of the SURF1 gene. It does not directly change the encoded amino acid sequence of the SURF1 protein. This variant is present in population databases (no rsID available, gnomAD 0.003%). This variant has not been reported in the literature in individuals affected with SURF1-related conditions. Algorithms developed to predict the effect of sequence changes on RNA splicing suggest that this variant may disrupt the consensus splice site. In summary, the available evidence is currently insufficient to determine the role of this variant in disease. Therefore, it has been classified as a Variant of Uncertain Significance.

NM_003172.4(SURF1):c.55-5C>G

Genes: SURF1 (SURF1 cytochrome c oxidase assembly factor; minus strand), LOC130002899 (ATAC-STARR-seq lymphoblastoid silent region 20452; plus strand). Cytogenetic location: 9q34.2.
Variant type: single nucleotide variant.
Coding change: c.55-5C>G on transcript NM_003172.4 (MANE Select); 5 bases into the intron before coding-DNA position 55, C replaced by G.
Molecular consequence: intron variant.
Genome position (GRCh38, 1-based): chr9:133,356,325, G>C on the plus strand (C>G on the coding strand, the complement: SURF1 is on the minus strand). VCF-style: chr9-133356325-G-C. GRCh37 (hg19) VCF-style: chr9-136223180-G-C.
Other names: c.-222+75C>G (NM_001280787.1).
Identifiers: ClinVar variation 2090024 (VCV002090024.1), dbSNP rs1323605640, ClinGen allele CA860712224.